The following is an entry in ClinVar:

NM_206933.4(USH2A):c.187C>T (p.Arg63Ter)

Gene: USH2A (usherin; minus strand). Cytogenetic location: 1q41.
Variant type: single nucleotide variant.
Coding change: c.187C>T on transcript NM_206933.4 (MANE Select); coding-DNA position 187, C replaced by T.
Protein change: p.Arg63Ter; replaces arginine 63 with a stop codon.
Molecular consequence: nonsense.
Genome position (GRCh38, 1-based): chr1:216,422,150, G>A on the plus strand (C>T on the coding strand, the complement: USH2A is on the minus strand). VCF-style: chr1-216422150-G-A. GRCh37 (hg19) VCF-style: chr1-216595492-G-A.
Other names: c.187C>T, p.Arg63Ter (NM_007123.6); short protein forms R63*.
Identifiers: ClinVar variation 556744 (VCV000556744.24), dbSNP rs781223647, ClinGen allele CA1396846.

ClinVar aggregate classification (germline): Pathogenic. Review status: criteria provided, multiple submitters, no conflicts (2 of 4 stars). 12 submissions from 11 submitters: Pathogenic (11). 1 of the submissions does not count toward it. Last evaluated 2026-06-10.

Conditions:
USH2A-related disorder. Also called: USH2A-related disorders; USH2A-related condition. Identifiers: MedGen CN239332.
Retinitis pigmentosa 39 (RP39). Identifiers: Orphanet 791, MedGen C3151138, MONDO:0013436, OMIM 613809.
Usher syndrome type 2A. Also called: RETINAL DISEASE IN USHER SYNDROME TYPE IIA, MODIFIER OF; USHER SYNDROME, TYPE IIA. Identifiers: Orphanet 231178, Orphanet 886, MedGen C1848634, MONDO:0010169, OMIM 276901.
Retinal disorder. Also called: Retinopathy; Retinal disorders; Retinopathies; Retinal Diseases. Identifiers: MedGen C0035309, MONDO:0005283, HP:0000488.
Usher syndrome. Also called: Usher's syndrome; Usher Syndromes. Identifiers: Orphanet 886, MedGen CN469326, MeSH D052245, MONDO:0019501. Disease mechanism: loss of function.

Allele frequency attached by ClinVar (database versions not stated): ExAC 0.00001; gnomAD 0.00001; gnomAD exomes 0.00001; TOPMed 0.00001.
gnomAD v4.1: 16 of 1,613,596 alleles (0.00099%); highest among the groups gnomAD compares: South Asian, 0.0022%; no homozygotes.

Submissions (12):

PreventionGenetics, part of Exact Sciences
Classification: Pathogenic for USH2A-related condition. Last evaluated: 2026-06-10. Review status: criteria provided, single submitter. Criteria: ACMG Guidelines, 2015. Collection method: clinical testing. Allele origin: germline.
Comment: The USH2A c.187C>T variant is predicted to result in premature protein termination (p.Arg63*). This variant has been reported in both the homozygous state and compound heterozygous state in multiple individuals with Usher syndrome (see for example: Dreyer et al. 2000. PubMed ID: 10909849; Vozzi et al. 2011. PubMed ID: 21738395; Steele-Stallard et al. 2013. PubMed ID: 23924366; Sodi et al. 2014. PubMed ID: 25558175; Hartel et al. 2016. PubMed ID: 27318125; Ng et al. 2019. PubMed ID: 30948794). This variant is reported in 0.0033% of alleles in individuals of South Asian descent in gnomAD, and it is classified as pathogenic in the ClinVar database (Variation ID: 556744). Nonsense variants in USH2A are expected to be pathogenic. Given the evidence, this variant is interpreted as pathogenic.

Women's Health and Genetics/Laboratory Corporation of America, LabCorp
Classification: Pathogenic for Usher syndrome. Last evaluated: 2025-10-20. Review status: criteria provided, single submitter. Criteria: LabCorp Variant Classification Summary - May 2015. Collection method: clinical testing. Allele origin: germline.
Comment: Variant summary: USH2A c.187C>T (p.Arg63X) results in a premature termination codon, predicted to cause a truncation of the encoded protein or absence of the protein due to nonsense mediated decay, which are commonly known mechanisms for disease. The variant allele was found at a frequency of 1.2e-05 in 250920 control chromosomes. c.187C>T has been observed in multiple individuals affected with Usher Syndrome (example: Tehreem_2022). These data indicate that the variant is very likely to be associated with disease. The following publication has been ascertained in the context of this evaluation (PMID: 36140798). ClinVar contains an entry for this variant (Variation ID: 556744). Based on the evidence outlined above, the variant was classified as pathogenic.

Natera, Inc.
Classification: Pathogenic for Usher syndrome type 2A. Last evaluated: 2025-10-14. Review status: criteria provided, single submitter. Criteria: Natera Variant Classification Schema (03/2026). Collection method: clinical testing. Allele origin: germline.
Comment: The c.187C>T variant in USH2A is a nonsense variant predicted to introduce a stop codon at amino acid 63. This variant is expected to result in nonsense mediated decay, truncation, or a dysfunctional protein product. This variant is rare in the general population with a frequency below the threshold expected for the associated phenotype(s). This variant has been observed in one or more individuals affected with the associated recessive disease, as either homozygous or compound heterozygous with a second variant (PMID: 27318125). Given the available evidence, this variant is classified as Pathogenic.

Genetics Laboratory, Great Ormond Street Hospital NHS Foundation Trust, North Thames Genomic Laboratory Hub
Classification: Pathogenic for Retinal disorders. Last evaluated: 2025-10-12. Review status: criteria provided, single submitter. Criteria: ACGS Best Practice Guidelines for Variant Classification in Rare Disease 2024 v1.2. Collection method: clinical testing. Allele origin: germline. Affected: yes.
Comment: PM2_moderate, PVS1_very-strong, PM3_strong, PP4_supporting

Labcorp Genetics (formerly Invitae), Labcorp
Classification: Pathogenic. Last evaluated: 2025-03-17. Review status: criteria provided, single submitter. Criteria: Invitae Variant Classification Sherloc (09022015). Collection method: clinical testing. Allele origin: germline.
Comment: This sequence change creates a premature translational stop signal (p.Arg63*) in the USH2A gene. It is expected to result in an absent or disrupted protein product. Loss-of-function variants in USH2A are known to be pathogenic (PMID: 10729113, 10909849, 20507924, 25649381). This variant is present in population databases (rs781223647, gnomAD 0.003%). This premature translational stop signal has been observed in individuals with Usher syndrome (PMID: 10909849, 23924366, 28559085). ClinVar contains an entry for this variant (Variation ID: 556744). For these reasons, this variant has been classified as Pathogenic.

Baylor Genetics
Classification: Pathogenic for Retinitis pigmentosa 39. Last evaluated: 2024-03-25. Review status: criteria provided, single submitter. Criteria: ACMG Guidelines, 2015. Collection method: clinical testing. Allele origin: unknown.

Genome-Nilou Lab
Classification: Pathogenic for Retinitis pigmentosa 39. Last evaluated: 2023-11-04. Review status: criteria provided, single submitter. Criteria: ACMG Guidelines, 2015. Collection method: clinical testing. Allele origin: germline. Affected: no.

Genome-Nilou Lab
Classification: Pathogenic for Usher syndrome type 2A. Last evaluated: 2023-11-04. Review status: criteria provided, single submitter. Criteria: ACMG Guidelines, 2015. Collection method: clinical testing. Allele origin: germline. Affected: no.

Blueprint Genetics
Classification: Pathogenic for USH2A-related disorders. Last evaluated: 2023-01-23. Review status: criteria provided, single submitter. Criteria: ACMG Guidelines, 2015. Collection method: clinical testing. Allele origin: germline. Affected: yes. Observed: 3 variant alleles.

GeneDx
Classification: Pathogenic. Last evaluated: 2022-10-17. Review status: criteria provided, single submitter. Criteria: GeneDx Variant Classification Process June 2021. Collection method: clinical testing. Allele origin: germline. Affected: yes.
Comment: Nonsense variant predicted to result in protein truncation or nonsense mediated decay in a gene for which loss of function is a known mechanism of disease; Not observed at significant frequency in large population cohorts (gnomAD); This variant is associated with the following publications: (PMID: 12786748, 23924366, 25366773, 10909849, 27318125, 25558175, 24853665, 22135276, 21738395, 12525556, 20591486, 27957503, 28559085, 34948090, 35457016, 36140798, 31144483, 34828430, 34416374, 30948794, 31266775, 33576794, 32675063, 34781295)

Juno Genomics, Hangzhou Juno Genomics, Inc
Classification: Pathogenic for Retinitis pigmentosa 39; Usher syndrome type 2A. Review status: criteria provided, single submitter. Criteria: ACMG Guidelines, 2015. Collection method: clinical testing. Allele origin: germline.
Comment: Absent from controls (or at extremely low frequency if recessive) in Genome Aggregation Database.;Null variant in a gene where loss of function (LOF) is a known mechanism of disease.;For recessive disorders, detected in trans with a pathogenic variant.;Patient's phenotype or family history is highly specific for a disease with a single genetic etiology.

Counsyl
Classification: Pathogenic for Usher syndrome type 2A; Retinitis pigmentosa 39. Last evaluated: 2018-02-15. Review status: no assertion criteria provided. Collection method: clinical testing. Allele origin: unknown. Not counted in ClinVar's aggregate classification.

Literature cited by the submitters: PubMed 36140798 (cited by Women's Health and Genetics/Laboratory Corporation of America, LabCorp); PubMed 27318125 (cited by Natera, Inc. and Counsyl); PubMed 10729113 (cited by Labcorp Genetics (formerly Invitae), Labcorp); PubMed 10909849 (cited by Labcorp Genetics (formerly Invitae), Labcorp and Counsyl); PubMed 20507924 (cited by Labcorp Genetics (formerly Invitae), Labcorp); PubMed 25649381 (cited by Labcorp Genetics (formerly Invitae), Labcorp); PubMed 23924366 (cited by Labcorp Genetics (formerly Invitae), Labcorp); PubMed 28559085 (cited by Labcorp Genetics (formerly Invitae), Labcorp); PubMed 24853665 (cited by Counsyl); PubMed 25366773 (cited by Counsyl); PubMed 22135276 (cited by Counsyl); PubMed 12525556 (cited by Counsyl); PubMed 25558175 (cited by Counsyl); PubMed 21738395 (cited by Counsyl).